The following is an entry in ClinVar:

NM_153766.3(KCNJ1):c.1019T>G (p.Leu340Arg)

Gene: KCNJ1 (potassium inwardly rectifying channel subfamily J member 1; minus strand). Cytogenetic location: 11q24.3.
Variant type: single nucleotide variant.
Coding change: c.1019T>G on transcript NM_153766.3 (MANE Select); coding-DNA position 1019, T replaced by G.
Protein change: p.Leu340Arg; replaces leucine 340 with arginine.
Molecular consequence: missense variant.
Genome position (GRCh38, 1-based): chr11:128,839,225, A>C on the plus strand (T>G on the coding strand, the complement: KCNJ1 is on the minus strand). VCF-style: chr11-128839225-A-C. GRCh37 (hg19) VCF-style: chr11-128709120-A-C.
Other names: c.1076T>G (NM_000220.2, NM_000220.4); c.1076T>G, p.Leu359Arg (NM_000220.6); c.1019T>G, p.Leu340Arg (NM_153764.3, NM_153767.4); c.1070T>G, p.Leu357Arg (NM_153765.3); short protein forms L359R, L357R, L340R.
Identifiers: ClinVar variation 1450954 (VCV001450954.10), dbSNP rs201176686, ClinGen allele CA6357397.
Genomic context (GRCh38, chr11:128,839,225, plus strand): 5'-ATGAAGTTGGGGTTGTCATAGCCTCTCTTCATCCTGGCTCTAACATCTTTCTCATTATAA[A>C]GGCACATGGCACAGTGAGGGGTCTCCACTTCCACTGTCTTGCTAAAGTTATGGAAATCCA-3'
Protein context (NP_722450.1, residues 330-350): EVETPHCAMC[Leu340Arg]YNEKDVRARM

ClinVar aggregate classification (germline): Uncertain significance. Review status: criteria provided, multiple submitters, no conflicts (2 of 4 stars). 6 submissions from 6 submitters: Uncertain significance (6). Last evaluated 2026-01-20.

Conditions:
KCNJ1-related disorder. Also called: KCNJ1-related condition.
Bartter disease type 2. Also called: HYPERPROSTAGLANDIN E SYNDROME 2; HYPOKALEMIC ALKALOSIS WITH HYPERCALCIURIA 2, ANTENATAL; Bartter syndrome, type 2, antenatal. Identifiers: Orphanet 112, Orphanet 620220, MedGen C1855849, MONDO:0009424, OMIM 241200.
Inborn genetic diseases. Identifiers: MedGen C0950123, MeSH D030342.

Allele frequency attached by ClinVar (database versions not stated): gnomAD exomes 0.00005 and 0.00012; TOPMed 0.00006; ExAC 0.00007; gnomAD 0.00007 and 0.00008.
gnomAD v4.1: 83 of 1,614,036 alleles (0.0051%); highest among the groups gnomAD compares: Non-Finnish European, 0.00051%; no homozygotes.

Submissions (6):

PreventionGenetics, part of Exact Sciences
Classification: Uncertain significance for KCNJ1-related condition. Last evaluated: 2026-01-20. Review status: criteria provided, single submitter. Criteria: ACMG Guidelines, 2015. Collection method: clinical testing. Allele origin: germline.
Comment: The KCNJ1 c.1076T>G variant is predicted to result in the amino acid substitution p.Leu359Arg. This variant has been reported in two individuals with Bartter syndrome (Supplementary table 3, Ji et al. 2008. PubMed ID: 18391953). This variant is reported in 0.27% of alleles in individuals of Ashkenazi Jewish descent in gnomAD. At this time, the clinical significance of this variant is uncertain due to the absence of conclusive functional and genetic evidence.

Women's Health and Genetics/Laboratory Corporation of America, LabCorp
Classification: Uncertain significance. Last evaluated: 2025-09-15. Review status: criteria provided, single submitter. Criteria: LabCorp Variant Classification Summary - May 2015. Collection method: clinical testing. Allele origin: germline.
Comment: Variant summary: KCNJ1 c.1076T>G (p.Leu359Arg) results in a non-conservative amino acid change in the encoded protein sequence. Algorithms developed to predict the effect of missense changes on protein structure and function all suggest that this variant is likely to be disruptive. The variant allele was found at a frequency of 0.00012 in 251370 control chromosomes. This frequency is not significantly higher than estimated for disease-causing variants in KCNJ1, allowing no conclusion about variant significance. c.1076T>G has been observed in individual(s) affected with Bartter Syndrome, Type 2 (Ji_2008). These report(s) do not provide unequivocal conclusions about association of the variant with Bartter Syndrome, Type 2. To our knowledge, no experimental evidence demonstrating an impact on protein function has been reported. The following publication have been ascertained in the context of this evaluation (PMID: 18391953). ClinVar contains an entry for this variant (Variation ID: 1450954). Based on the evidence outlined above, the variant was classified as uncertain significance.

Department of Pathology and Laboratory Medicine, Sinai Health System
Classification: Uncertain significance for Bartter disease type 2. Last evaluated: 2022-12-22. Review status: criteria provided, single submitter. Criteria: ACMG Guidelines, 2015. Collection method: research. Allele origin: germline.

Labcorp Genetics (formerly Invitae), Labcorp
Classification: Uncertain significance. Last evaluated: 2022-06-18. Review status: criteria provided, single submitter. Criteria: Invitae Variant Classification Sherloc (09022015). Collection method: clinical testing. Allele origin: germline.
Comment: This sequence change replaces leucine, which is neutral and non-polar, with arginine, which is basic and polar, at codon 359 of the KCNJ1 protein (p.Leu359Arg). This variant is present in population databases (rs201176686, gnomAD 0.3%). This missense change has been observed in individual(s) with Bartter syndrome (PMID: 18391953). Algorithms developed to predict the effect of missense changes on protein structure and function are either unavailable or do not agree on the potential impact of this missense change (SIFT: "Tolerated"; PolyPhen-2: "Probably Damaging"; Align-GVGD: "Class C0"). In summary, the available evidence is currently insufficient to determine the role of this variant in disease. Therefore, it has been classified as a Variant of Uncertain Significance.

Fulgent Genetics
Classification: Uncertain significance for Bartter disease type 2. Last evaluated: 2021-07-06. Review status: criteria provided, single submitter. Criteria: ACMG Guidelines, 2015. Collection method: clinical testing. Allele origin: unknown.

Ambry Genetics
Classification: Uncertain significance for Inborn genetic diseases. Last evaluated: 2021-07-01. Review status: criteria provided, single submitter. Criteria: Ambry Variant Classification Scheme 2023. Collection method: clinical testing. Allele origin: germline.

Literature cited by the submitters: PubMed 18391953 (cited by Women's Health and Genetics/Laboratory Corporation of America, LabCorp and Labcorp Genetics (formerly Invitae), Labcorp).